The following is an entry in ClinVar:

ClinVar aggregate classification (germline): Uncertain significance (1 of 4 stars; one submission).

Conditions:
Neurofibromatosis, type 1 (NF1). Also called: Peripheral type neurofibromatosis; Neurofibromatosis, type I; VON RECKLINGHAUSEN DISEASE; NEUROFIBROMATOSIS, TYPE I, SOMATIC. Identifiers: Orphanet 636, MedGen C0027831, MONDO:0018975, OMIM 162200. Disease mechanism: loss of function.

Submission:

Labcorp Genetics (formerly Invitae), Labcorp
Classification: Uncertain significance for Neurofibromatosis, type 1. Last evaluated: 2023-12-03. Review status: criteria provided, single submitter. Criteria: Invitae Variant Classification Sherloc (09022015). Collection method: clinical testing. Allele origin: germline.
Comment: This sequence change falls in intron 35 of the NF1 gene. It does not directly change the encoded amino acid sequence of the NF1 protein. It affects a nucleotide within the consensus splice site. This variant is not present in population databases (gnomAD no frequency). This variant has not been reported in the literature in individuals affected with NF1-related conditions. Variants that disrupt the consensus splice site are a relatively common cause of aberrant splicing (PMID: 17576681, 9536098). Algorithms developed to predict the effect of sequence changes on RNA splicing suggest that this variant is not likely to affect RNA splicing. In summary, the available evidence is currently insufficient to determine the role of this variant in disease. Therefore, it has been classified as a Variant of Uncertain Significance.

Literature cited by the submitters: PubMed 17576681; PubMed 9536098.

NM_001042492.3(NF1):c.4836-3T>A

Gene: NF1 (neurofibromin 1; plus strand). Cytogenetic location: 17q11.2.
Variant type: single nucleotide variant.
Coding change: c.4836-3T>A on transcript NM_001042492.3 (MANE Select); 3 bases into the intron before coding-DNA position 4836, T replaced by A.
Molecular consequence: intron variant.
Genome position (GRCh38, 1-based): chr17:31,325,817, T>A. VCF-style: chr17-31325817-T-A. GRCh37 (hg19) VCF-style: chr17-29652835-T-A.
Other names: c.4773-3T>A (NM_000267.4).
Identifiers: ClinVar variation 2877563 (VCV002877563.3), dbSNP rs372460369, ClinGen allele CA2739267451.